The following is an entry in ClinVar:

NM_013372.7(GREM1):c.21G>A (p.Thr7=)

Gene: GREM1 (gremlin 1, DAN family BMP antagonist; plus strand). Cytogenetic location: 15q13.3.
Variant type: single nucleotide variant.
Coding change: c.21G>A on transcript NM_013372.7 (MANE Select); coding-DNA position 21, G replaced by A.
Protein change: p.Thr7=; no amino-acid change (threonine 7 retained).
Molecular consequence: synonymous variant.
Genome position (GRCh38, 1-based): chr15:32,730,711, G>A. VCF-style: chr15-32730711-G-A. GRCh37 (hg19) VCF-style: chr15-33022912-G-A.
Other names: c.21G>A, p.Thr7= (NM_001191322.2, NM_001191323.2, NM_001368719.1).
Identifiers: ClinVar variation 1787606 (VCV001787606.4), dbSNP rs1017180089, ClinGen allele CA268513063.

ClinVar aggregate classification (germline): Likely benign. Review status: criteria provided, single submitter (1 of 4 stars). 2 submissions from 2 submitters: Likely benign (1). 1 of the submissions does not count toward it. Last evaluated 2022-04-04.

Conditions:
GREM1-related disorder. Also called: GREM1-related condition.
Hereditary cancer-predisposing syndrome. Also called: Neoplastic Syndromes, Hereditary; Tumor predisposition; Hereditary Cancer Syndrome; Hereditary neoplastic syndrome. Identifiers: Orphanet 140162, MedGen C0027672, MeSH D009386, MONDO:0015356.

Allele frequency attached by ClinVar (database versions not stated): TOPMed 0.00003; gnomAD 0.00005.
gnomAD v4.1: 9 of 1,570,520 alleles (0.00057%); highest among the groups gnomAD compares: African/African-American, 0.0095%; no homozygotes.

Submissions (2):

Ambry Genetics
Classification: Likely benign for Hereditary cancer-predisposing syndrome. Last evaluated: 2022-04-04. Review status: criteria provided, single submitter. Criteria: Ambry Variant Classification Scheme 2023. Collection method: clinical testing. Allele origin: germline.

PreventionGenetics, part of Exact Sciences
Classification: Likely benign for GREM1-related condition. Last evaluated: 2020-10-16. Review status: no assertion criteria provided. Collection method: clinical testing. Allele origin: germline. Not counted in ClinVar's aggregate classification.
Comment: This variant is classified as likely benign based on ACMG/AMP sequence variant interpretation guidelines (Richards et al. 2015 PMID: 25741868, with internal and published modifications).